The following is an entry in ClinVar:

NM_000540.3(RYR1):c.6353G>C (p.Arg2118Pro)

Gene: RYR1 (ryanodine receptor 1; plus strand). Cytogenetic location: 19q13.2.
Variant type: single nucleotide variant.
Coding change: c.6353G>C on transcript NM_000540.3 (MANE Select); coding-DNA position 6353, G replaced by C.
Protein change: p.Arg2118Pro; replaces arginine 2118 with proline.
Molecular consequence: missense variant.
Genome position (GRCh38, 1-based): chr19:38,494,430, G>C. VCF-style: chr19-38494430-G-C. GRCh37 (hg19) VCF-style: chr19-38985070-G-C.
Other names: c.6353G>C, p.Arg2118Pro (NM_001042723.2); short protein forms R2118P.
Identifiers: ClinVar variation 329049 (VCV000329049.9), dbSNP rs201649680, ClinGen allele CA068150.

ClinVar aggregate classification (germline): Conflicting classifications of pathogenicity. Review status: criteria provided, conflicting classifications (1 of 4 stars). 4 submissions from 3 submitters: Likely pathogenic (1); Uncertain significance (2); Likely benign (1). Last evaluated 2025-04-29.

Conditions:
RYR1-related disorder. Also called: RYR1-related disorders; RYR1-related condition. Identifiers: MedGen CN239331.
Congenital multicore myopathy with external ophthalmoplegia (CMYO1B). Also called: MULTIMINICORE DISEASE WITH EXTERNAL OPHTHALMOPLEGIA; Minicore myopathy with external ophthalmoplegia; Congenital myopathy 1B, autosomal recessive; Minicore myopathy; MULTICORE MYOPATHY. Identifiers: Orphanet 598, Orphanet 98905, MedGen C1850674, MONDO:0009712, OMIM 255320, HP:0003789.
Malignant hyperthermia, susceptibility to, 1 (MHS1). Also called: Anesthesia related hyperthermia; Malignant hyperpyrexia; Fulminating hyperpyrexia; Pharmacogenic myopathy; RYR1-Related Malignant Hyperthermia Susceptibility; Malignant hyperthermia suceptibility 1. Identifiers: Orphanet 423, MedGen C2930980, MONDO:0007783, OMIM 145600.

Allele frequency attached by ClinVar (database versions not stated): ExAC 0.00001; TOPMed 0.00001; 1000 Genomes Project 30x 0.00031; 1000 Genomes Project 0.00040.
gnomAD v4.1: 26 of 1,612,282 alleles (0.0016%); highest among the groups gnomAD compares: Middle Eastern, 0.063%; 1 homozygote.

Submissions (4):

PreventionGenetics, part of Exact Sciences
Classification: Uncertain significance for RYR1-related condition. Last evaluated: 2025-04-29. Review status: criteria provided, single submitter. Criteria: ACMG Guidelines, 2015. Collection method: clinical testing. Allele origin: germline.
Comment: The RYR1 c.6353G>C variant is predicted to result in the amino acid substitution p.Arg2118Pro. To our knowledge, this variant has not been reported in the literature. This variant is reported in 0.0044% of alleles in individuals of European (Non-Finnish) descent in gnomAD. At this time, the clinical significance of this variant is uncertain due to the absence of conclusive functional and genetic evidence.

GeneDx
Classification: Likely pathogenic. Last evaluated: 2024-09-18. Review status: criteria provided, single submitter. Criteria: GeneDx Variant Classification Process June 2021. Collection method: clinical testing. Allele origin: germline. Affected: yes.
Comment: Not observed at significant frequency in large population cohorts (gnomAD); In silico analysis supports that this missense variant has a deleterious effect on protein structure/function; Has not been previously published as pathogenic or benign to our knowledge; This variant is associated with the following publications: (PMID: 12668474, 33767344)

Illumina Laboratory Services, Illumina
Classification: Uncertain significance for Congenital multicore myopathy with external ophthalmoplegia. Last evaluated: 2018-01-12. Review status: criteria provided, single submitter. Criteria: ICSL Variant Classification Criteria 13 December 2019. Collection method: clinical testing. Allele origin: germline.

Illumina Laboratory Services, Illumina
Classification: Likely benign for Malignant hyperthermia, susceptibility to, 1. Last evaluated: 2018-01-12. Review status: criteria provided, single submitter. Criteria: ICSL Variant Classification Criteria 13 December 2019. Collection method: clinical testing. Allele origin: germline.
Comment: This variant was observed in the ICSL laboratory as part of a predisposition screen in an ostensibly healthy population. It had not been previously curated by ICSL or reported in the Human Gene Mutation Database (HGMD: prior to June 1st, 2018), and was therefore a candidate for classification through an automated scoring system. Utilizing variant allele frequency, disease prevalence and penetrance estimates, and inheritance mode, an automated score was calculated to assess if this variant is too frequent to cause the disease. Based on the score and internal cut-off values, a variant classified as likely benign is not then subjected to further curation. The score for this variant resulted in a classification of likely benign for this disease.